The following is an entry in ClinVar:

ClinVar aggregate classification (germline): Pathogenic (1 of 4 stars; one submission).

Conditions:
Propionic acidemia (PROP). Also called: GLYCINEMIA, KETOTIC; HYPERGLYCINEMIA WITH KETOACIDOSIS AND LEUKOPENIA; KETOTIC HYPERGLYCINEMIA. Identifiers: Orphanet 35, MedGen C0268579, MONDO:0011628, OMIM 606054, HP:0003571.

Submission:

Labcorp Genetics (formerly Invitae), Labcorp
Classification: Pathogenic for Propionic acidemia. Last evaluated: 2022-12-08. Review status: criteria provided, single submitter. Criteria: Invitae Variant Classification Sherloc (09022015). Collection method: clinical testing. Allele origin: germline.
Comment: This variant has not been reported in the literature in individuals affected with PCCA-related conditions. This sequence change creates a premature translational stop signal (p.Ser594Cysfs*17) in the PCCA gene. It is expected to result in an absent or disrupted protein product. Loss-of-function variants in PCCA are known to be pathogenic (PMID: 15464417). This variant is not present in population databases (gnomAD no frequency). For these reasons, this variant has been classified as Pathogenic.

Literature cited by the submitters: PubMed 15464417.

NM_000282.4(PCCA):c.1772_1778dup (p.Ser594fs)

Gene: PCCA (propionyl-CoA carboxylase subunit alpha; plus strand). Cytogenetic location: 13q32.3.
Variant type: Duplication.
Coding change: c.1772_1778dup on transcript NM_000282.4 (MANE Select); coding-DNA positions 1772 to 1778, 7 bases duplicated (ATGTGAC; older notation c.1772_1778dupATGTGAC).
Protein change: p.Ser594fs; shifts the reading frame from serine 594.
Molecular consequence: frameshift variant. On other transcripts: non-coding transcript variant (5).
Genome position (GRCh38, 1-based): chr13:100,425,658-100,425,664, ATGTGAC duplicated. VCF-style (leftmost placement, unchanged base first): chr13-100425657-A-AATGTGAC. GRCh37 (hg19) VCF-style: chr13-101077911-A-AATGTGAC.
Other names: c.1694_1700dup, p.Ser568fs (NM_001127692.3, NM_001352607.2); c.1772_1778dup, p.Ser594fs (NM_001178004.2, NM_001352605.2, NM_001352609.2); c.1628_1634dup, p.Ser546fs (NM_001352606.2); c.1550_1556dup, p.Ser520fs (NM_001352608.2); c.827_833dup, p.Ser279fs (NM_001352610.2, NM_001352611.2); c.683_689dup, p.Ser231fs (NM_001352612.2); short protein forms S231fs, S279fs, S546fs, S568fs, S594fs, S520fs.
Identifiers: ClinVar variation 2817563 (VCV002817563.3), dbSNP rs2548676923, ClinGen allele CA2739277695.